The following is an entry in ClinVar:

ClinVar aggregate classification (germline): Uncertain significance (1 of 4 stars; one submission).

Submission:

Labcorp Genetics (formerly Invitae), Labcorp
Classification: Uncertain significance. Last evaluated: 2022-06-03. Review status: criteria provided, single submitter. Criteria: Invitae Variant Classification Sherloc (09022015). Collection method: clinical testing. Allele origin: germline.
Comment: In summary, the available evidence is currently insufficient to determine the role of this variant in disease. Therefore, it has been classified as a Variant of Uncertain Significance. Algorithms developed to predict the effect of missense changes on protein structure and function are either unavailable or do not agree on the potential impact of this missense change (SIFT: "Tolerated"; PolyPhen-2: "Probably Damaging"; Align-GVGD: "Class C0"). ClinVar contains an entry for this variant (Variation ID: 1392455). This variant has not been reported in the literature in individuals affected with PDP1-related conditions. This variant is not present in population databases (gnomAD no frequency). This sequence change replaces threonine, which is neutral and polar, with asparagine, which is neutral and polar, at codon 423 of the PDP1 protein (p.Thr423Asn).

NM_018444.4(PDP1):c.1268C>A (p.Thr423Asn)

Gene: PDP1 (pyruvate dehydrogenase phosphatase catalytic subunit 1; plus strand). Cytogenetic location: 8q22.1.
Variant type: single nucleotide variant.
Coding change: c.1268C>A on transcript NM_018444.4 (MANE Select); coding-DNA position 1268, C replaced by A.
Protein change: p.Thr423Asn; replaces threonine 423 with asparagine.
Molecular consequence: missense variant.
Genome position (GRCh38, 1-based): chr8:93,923,327, C>A. VCF-style: chr8-93923327-C-A. GRCh37 (hg19) VCF-style: chr8-94935555-C-A.
Other names: c.1343C>A, p.Thr448Asn (NM_001161779.2, NM_001161780.2); c.1268C>A, p.Thr423Asn (NM_001161781.2); short protein forms T423N, T448N.
Identifiers: ClinVar variation 1392455 (VCV001392455.6), dbSNP rs2130390151, ClinGen allele CA371696401.
Genomic context (GRCh38, chr8:93,923,327, plus strand): 5'-ACCACCGATTAAGGCCACAGGATAAGTTTCTGGTGTTGGCTACTGATGGGTTGTGGGAGA[C>A]TATGCATAGGCAGGATGTGGTTAGGATTGTGGGTGAGTACCTAACTGGCATGCATCACCA-3'
Protein context (NP_060914.2, residues 413-433): LVLATDGLWE[Thr423Asn]MHRQDVVRIV